The following is an entry in ClinVar:

ClinVar aggregate classification (germline): Pathogenic/Likely pathogenic. Review status: criteria provided, multiple submitters, no conflicts (2 of 4 stars). 6 submissions from 6 submitters: Pathogenic (3); Likely pathogenic (3). Last evaluated 2025-12-02.

Conditions:
FTCD-related disorder. Also called: FTCD-related condition.
Glutamate formiminotransferase deficiency. Also called: Formiminoglutamic aciduria; Arakawa syndrome 1. Identifiers: Orphanet 51208, MedGen C0268609, MONDO:0009240, OMIM 229100.

Allele frequency attached by ClinVar (database versions not stated): gnomAD exomes 0.00007; ExAC 0.00008; 1000 Genomes Project 0.00020; gnomAD 0.00021; TOPMed 0.00021; ESP Exome Variant Server 0.00023; 1000 Genomes Project 30x 0.00031.

Submissions (6):

Labcorp Genetics (formerly Invitae), Labcorp
Classification: Pathogenic for Glutamate formiminotransferase deficiency. Last evaluated: 2025-12-02. Review status: criteria provided, single submitter. Criteria: Invitae Variant Classification Sherloc (09022015). Collection method: clinical testing. Allele origin: germline.
Comment: This sequence change creates a premature translational stop signal (p.Arg71*) in the FTCD gene. It is expected to result in an absent or disrupted protein product. Loss-of-function variants in FTCD are known to be pathogenic (PMID: 29178637, 30740726). This variant is present in population databases (rs8133955, gnomAD 0.05%). This variant has not been reported in the literature in individuals affected with FTCD-related conditions. ClinVar contains an entry for this variant (Variation ID: 488890). For these reasons, this variant has been classified as Pathogenic.

First Genomix Gene Laboratory, Genetic Diagnostics Department
Classification: Pathogenic for Glutamate formiminotransferase deficiency. Last evaluated: 2025-09-19. Review status: criteria provided, single submitter. Criteria: ACMG Guidelines, 2015. Collection method: clinical testing. Allele origin: germline. Inheritance: Autosomal recessive inheritance. Affected: no. Observed: 1 variant allele.

Fulgent Genetics
Classification: Likely pathogenic for Glutamate formiminotransferase deficiency. Last evaluated: 2024-02-27. Review status: criteria provided, single submitter. Criteria: ACMG Guidelines, 2015. Collection method: clinical testing. Allele origin: germline.

PreventionGenetics, part of Exact Sciences
Classification: Likely pathogenic for FTCD-related condition. Last evaluated: 2023-03-28. Review status: criteria provided, single submitter. Criteria: ACMG Guidelines, 2015. Collection method: clinical testing. Allele origin: germline.
Comment: The FTCD c.211C>T variant is predicted to result in premature protein termination (p.Arg71*). To our knowledge, this variant has not been reported in the literature. This variant is reported in 0.044% of alleles in individuals of African descent in gnomAD. Nonsense variants in FTCD are expected to be pathogenic. This variant is interpreted as likely pathogenic.

GeneDx
Classification: Pathogenic. Last evaluated: 2022-01-24. Review status: criteria provided, single submitter. Criteria: GeneDx Variant Classification Process June 2021. Collection method: clinical testing. Allele origin: germline. Affected: yes.
Comment: Nonsense variant predicted to result in protein truncation or nonsense mediated decay in a gene for which loss-of-function is a known mechanism of disease; Has not been previously published as pathogenic or benign to our knowledge; This variant is associated with the following publications: (PMID: 29178637, 27535533)

Juno Genomics, Hangzhou Juno Genomics, Inc
Classification: Likely pathogenic for Glutamate formiminotransferase deficiency. Review status: criteria provided, single submitter. Criteria: ACMG Guidelines, 2015. Collection method: clinical testing. Allele origin: germline.
Comment: Null variant in a gene where loss of function (LOF) is a known mechanism of disease.;Absent from controls (or at extremely low frequency if recessive) in Genome Aggregation Database.

Literature cited by the submitters: PubMed 29178637 (cited by Labcorp Genetics (formerly Invitae), Labcorp); PubMed 30740726 (cited by Labcorp Genetics (formerly Invitae), Labcorp).

NM_206965.2(FTCD):c.211C>T (p.Arg71Ter)

Gene: FTCD (formimidoyltransferase cyclodeaminase; minus strand). Cytogenetic location: 21q22.3.
Variant type: single nucleotide variant.
Coding change: c.211C>T on transcript NM_206965.2 (MANE Select); coding-DNA position 211, C replaced by T.
Protein change: p.Arg71Ter; replaces arginine 71 with a stop codon.
Molecular consequence: nonsense.
Genome position (GRCh38, 1-based): chr21:46,154,176, G>A on the plus strand (C>T on the coding strand, the complement: FTCD is on the minus strand). VCF-style: chr21-46154176-G-A. GRCh37 (hg19) VCF-style: chr21-47574090-G-A.
Other names: c.211C>T, p.Arg71Ter (NM_001320412.2, NM_006657.3); c.211C>T (NM_001320412.1); short protein forms R71*.
Identifiers: ClinVar variation 488890 (VCV000488890.14), dbSNP rs8133955, ClinGen allele CA10074018.